The following is an entry in ClinVar:

ClinVar aggregate classification (germline): Uncertain significance. Review status: criteria provided, single submitter (1 of 4 stars). 2 submissions from 2 submitters: Uncertain significance (1). 1 of the submissions does not count toward it. Last evaluated 2022-09-07.

Conditions:
Predisposition to invasive fungal disease due to CARD9 deficiency (IMD103). Also called: IMMUNODEFICIENCY 103, SUSCEPTIBILITY TO FUNGAL INFECTIONS; Candidiasis, familial, 2, autosomal recessive; CARD9 IMMUNODEFICIENCY. Identifiers: Orphanet 457088, MedGen C1859353, MONDO:0008905, OMIM 212050.

Allele frequency attached by ClinVar (database versions not stated): TOPMed 0.00002.
gnomAD v4.1: 18 of 1,603,354 alleles (0.0011%); highest among the groups gnomAD compares: East Asian, 0.036%; no homozygotes.

Submissions (2):

Labcorp Genetics (formerly Invitae), Labcorp
Classification: Uncertain significance for Predisposition to invasive fungal disease due to CARD9 deficiency. Last evaluated: 2022-09-07. Review status: criteria provided, single submitter. Criteria: Invitae Variant Classification Sherloc (09022015). Collection method: clinical testing. Allele origin: germline.
Comment: In summary, the available evidence is currently insufficient to determine the role of this variant in disease. Therefore, it has been classified as a Variant of Uncertain Significance. Experimental studies have shown that this missense change affects CARD9 function (PMID: 23335372, 31414217, 33558980). Algorithms developed to predict the effect of missense changes on protein structure and function are either unavailable or do not agree on the potential impact of this missense change (SIFT: "Deleterious"; PolyPhen-2: "Possibly Damaging"; Align-GVGD: "Class C0"). ClinVar contains an entry for this variant (Variation ID: 88851). This missense change has been observed in individual(s) with CARD9 deficiency and/or fungal infections (PMID: 23335372, 30537277, 31102464, 31414217, 33558980, 34234782). This variant is present in population databases (rs149712114, gnomAD 0.02%). This sequence change replaces arginine, which is basic and polar, with proline, which is neutral and non-polar, at codon 373 of the CARD9 protein (p.Arg373Pro).

OMIM
Classification: risk factor for IMMUNODEFICIENCY 103, SUSCEPTIBILITY TO FUNGAL INFECTIONS. Last evaluated: 2013-03-28. Review status: no assertion criteria provided. Collection method: literature only. Allele origin: germline. Not counted in ClinVar's aggregate classification.

Literature cited by the submitters: PubMed 23335372 (cited by Labcorp Genetics (formerly Invitae), Labcorp and OMIM); PubMed 31414217 (cited by Labcorp Genetics (formerly Invitae), Labcorp); PubMed 33558980 (cited by Labcorp Genetics (formerly Invitae), Labcorp); PubMed 30537277 (cited by Labcorp Genetics (formerly Invitae), Labcorp); PubMed 31102464 (cited by Labcorp Genetics (formerly Invitae), Labcorp); PubMed 34234782 (cited by Labcorp Genetics (formerly Invitae), Labcorp).

NM_052813.5(CARD9):c.1118G>C (p.Arg373Pro)

Gene: CARD9 (caspase recruitment domain family member 9; minus strand). Cytogenetic location: 9q34.3.
Variant type: single nucleotide variant.
Coding change: c.1118G>C on transcript NM_052813.5 (MANE Select); coding-DNA position 1118, G replaced by C.
Protein change: p.Arg373Pro; replaces arginine 373 with proline.
Molecular consequence: missense variant.
Genome position (GRCh38, 1-based): chr9:136,367,788, C>G on the plus strand (G>C on the coding strand, the complement: CARD9 is on the minus strand). VCF-style: chr9-136367788-C-G. GRCh37 (hg19) VCF-style: chr9-139262240-C-G.
Other names: c.1118G>C, p.Arg373Pro (NM_052814.4); short protein forms R373P.
Identifiers: ClinVar variation 88851 (VCV000088851.5), dbSNP rs149712114, ClinGen allele CA145370.